The following is an entry in ClinVar:

ClinVar aggregate classification (germline): Uncertain significance (1 of 4 stars; one submission).

Conditions:
Intellectual disability, autosomal recessive 53 (NEDHSCA). Also called: Mental retardation, autosomal recessive 53; NEURODEVELOPMENTAL DISORDER WITH OR WITHOUT HYPOTONIA, SEIZURES, AND CEREBELLAR ATROPHY; GLYCOSYLPHOSPHATIDYLINOSITOL BIOSYNTHESIS DEFECT 13. Identifiers: Orphanet 488635, MedGen C4310794, MONDO:0014832, OMIM 616917.

Allele frequency attached by ClinVar (database versions not stated): gnomAD exomes below 0.00001.
gnomAD v4.1: 1 of 1,612,670 alleles (0.000062%); highest among the groups gnomAD compares: Non-Finnish European, 0.000085%; no homozygotes.

Submission:

Labcorp Genetics (formerly Invitae), Labcorp
Classification: Uncertain significance for Intellectual disability, autosomal recessive 53. Last evaluated: 2021-09-01. Review status: criteria provided, single submitter. Criteria: Invitae Variant Classification Sherloc (09022015). Collection method: clinical testing. Allele origin: germline.
Comment: This sequence change replaces tyrosine with cysteine at codon 847 of the PIGG protein (p.Tyr847Cys). The tyrosine residue is moderately conserved and there is a large physicochemical difference between tyrosine and cysteine. This variant is not present in population databases (ExAC no frequency). This variant has not been reported in the literature in individuals affected with PIGG-related conditions. Algorithms developed to predict the effect of missense changes on protein structure and function are either unavailable or do not agree on the potential impact of this missense change (SIFT: "Tolerated"; PolyPhen-2: "Probably Damaging"; Align-GVGD: "Class C0"). In summary, the available evidence is currently insufficient to determine the role of this variant in disease. Therefore, it has been classified as a Variant of Uncertain Significance.

NM_001127178.3(PIGG):c.2540A>G (p.Tyr847Cys)

Gene: PIGG (phosphatidylinositol glycan anchor biosynthesis class G (EMM blood group); plus strand). Cytogenetic location: 4p16.3.
Variant type: single nucleotide variant.
Coding change: c.2540A>G on transcript NM_001127178.3 (MANE Select); coding-DNA position 2540, A replaced by G.
Protein change: p.Tyr847Cys; replaces tyrosine 847 with cysteine.
Molecular consequence: missense variant. On other transcripts: non-coding transcript variant (6).
Genome position (GRCh38, 1-based): chr4:530,714, A>G. VCF-style: chr4-530714-A-G. GRCh37 (hg19) VCF-style: chr4-524503-A-G.
Other names: c.2273A>G, p.Tyr758Cys (NM_001289051.2, NM_001345986.2); c.2141A>G, p.Tyr714Cys (NM_001289052.2); c.2249A>G, p.Tyr750Cys (NM_001345987.2); c.1511A>G, p.Tyr504Cys (NM_001345988.2); c.1007A>G, p.Tyr336Cys (NM_001345990.2, NM_001345991.2); c.1442A>G, p.Tyr481Cys (NM_001345994.2); c.2516A>G, p.Tyr839Cys (NM_017733.5); short protein forms Y481C, Y847C, Y714C, Y336C, Y504C, Y750C, Y758C, Y839C.
Identifiers: ClinVar variation 947983 (VCV000947983.7), dbSNP rs1728841934, ClinGen allele CA355910383.
Genomic context (GRCh38, chr4:530,714, plus strand): 5'-TGACTAAATTCATCTGGAAGCCCCTGAGACACGATGCAGCTGAGATTACTGTGATGCATT[A>G]TTGGTTTGGTCAAGCATTCTTCTATTTTCAGGTAGGTTTTCATTATTATCATGGGTAGTA-3'
Protein context (NP_001120650.1, residues 837-857): HDAAEITVMH[Tyr847Cys]WFGQAFFYFQ